The following is an entry in ClinVar:

ClinVar aggregate classification (germline): Uncertain significance (1 of 4 stars; one submission).

gnomAD v4.1: 17 of 1,609,590 alleles (0.0011%); highest among the groups gnomAD compares: East Asian, 0.0022%; no homozygotes.

Submission:

Labcorp Genetics (formerly Invitae), Labcorp
Classification: Uncertain significance. Last evaluated: 2024-09-09. Review status: criteria provided, single submitter. Criteria: Invitae Variant Classification Sherloc (09022015). Collection method: clinical testing. Allele origin: germline.
Comment: This sequence change replaces valine, which is neutral and non-polar, with methionine, which is neutral and non-polar, at codon 850 of the PITPNM3 protein (p.Val850Met). The frequency data for this variant in the population databases is considered unreliable, as metrics indicate poor data quality at this position in the gnomAD database. This variant has not been reported in the literature in individuals affected with PITPNM3-related conditions. Invitae Evidence Modeling of protein sequence and biophysical properties (such as structural, functional, and spatial information, amino acid conservation, physicochemical variation, residue mobility, and thermodynamic stability) indicates that this missense variant is not expected to disrupt PITPNM3 protein function with a negative predictive value of 80%. In summary, the available evidence is currently insufficient to determine the role of this variant in disease. Therefore, it has been classified as a Variant of Uncertain Significance.

NM_031220.4(PITPNM3):c.2548G>A (p.Val850Met)

Gene: PITPNM3 (PITPNM family member 3; minus strand). Cytogenetic location: 17p13.2.
Variant type: single nucleotide variant.
Coding change: c.2548G>A on transcript NM_031220.4 (MANE Select); coding-DNA position 2548, G replaced by A.
Protein change: p.Val850Met; replaces valine 850 with methionine.
Molecular consequence: missense variant.
Genome position (GRCh38, 1-based): chr17:6,457,665, C>T on the plus strand (G>A on the coding strand, the complement: PITPNM3 is on the minus strand). VCF-style: chr17-6457665-C-T. GRCh37 (hg19) VCF-style: chr17-6360985-C-T.
Other names: c.2440G>A, p.Val814Met (NM_001165966.2); short protein forms V814M, V850M.
Identifiers: ClinVar variation 3617746 (VCV003617746.2).